The following is an entry in ClinVar:

ClinVar aggregate classification (germline): Conflicting classifications of pathogenicity. Review status: criteria provided, conflicting classifications (1 of 4 stars). 4 submissions from 4 submitters: Uncertain significance (1); Likely benign (2). 1 of the submissions does not count toward it. Last evaluated 2025-12-16.

Conditions:
Hyperkalemic periodic paralysis. Also called: Familial hyperkalemic periodic paralysis; Gamstorp disease. Identifiers: Orphanet 682, MedGen C0238357, MONDO:0008224, OMIM 170500, HP:0007215.
SCN4A-related disorder. Also called: SCN4A-related disorders.

Allele frequency attached by ClinVar (database versions not stated): gnomAD 0.00001; gnomAD exomes 0.00001 and 0.00004; ExAC 0.00002; TOPMed 0.00002.
gnomAD v4.1: 21 of 1,613,716 alleles (0.0013%); highest among the groups gnomAD compares: Admixed American, 0.018%; no homozygotes.

Submissions (4):

Labcorp Genetics (formerly Invitae), Labcorp
Classification: Likely benign for Hyperkalemic periodic paralysis. Last evaluated: 2025-12-16. Review status: criteria provided, single submitter. Criteria: Invitae Variant Classification Sherloc (09022015). Collection method: clinical testing. Allele origin: germline.

Revvity Omics, Revvity
Classification: Uncertain significance. Last evaluated: 2022-03-02. Review status: criteria provided, single submitter. Criteria: ACMG Guidelines, 2015. Collection method: clinical testing. Allele origin: germline.

GeneDx
Classification: Likely benign. Last evaluated: 2020-09-11. Review status: criteria provided, single submitter. Criteria: GeneDx Variant Classification Process June 2021. Collection method: clinical testing. Allele origin: germline. Affected: yes.

PreventionGenetics, part of Exact Sciences
Classification: Likely benign for SCN4A-related condition. Last evaluated: 2020-06-10. Review status: no assertion criteria provided. Collection method: clinical testing. Allele origin: germline. Not counted in ClinVar's aggregate classification.
Comment: This variant is classified as likely benign based on ACMG/AMP sequence variant interpretation guidelines (Richards et al. 2015 PMID: 25741868, with internal and published modifications).

NM_000334.4(SCN4A):c.786C>T (p.Ser262=)

Gene: SCN4A (sodium voltage-gated channel alpha subunit 4; minus strand). Cytogenetic location: 17q23.3.
Variant type: single nucleotide variant.
Coding change: c.786C>T on transcript NM_000334.4 (MANE Select); coding-DNA position 786, C replaced by T.
Protein change: p.Ser262=; no amino-acid change (serine 262 retained).
Molecular consequence: synonymous variant.
Genome position (GRCh38, 1-based): chr17:63,968,273, G>A on the plus strand (C>T on the coding strand, the complement: SCN4A is on the minus strand). VCF-style: chr17-63968273-G-A. GRCh37 (hg19) VCF-style: chr17-62045633-G-A.
Identifiers: ClinVar variation 1157129 (VCV001157129.14), dbSNP rs746749167, ClinGen allele CA8710039.